The following is an entry in ClinVar:

ClinVar aggregate classification (germline): Pathogenic (1 of 4 stars; one submission).

Submission:

Labcorp Genetics (formerly Invitae), Labcorp
Classification: Pathogenic. Last evaluated: 2024-08-12. Review status: criteria provided, single submitter. Criteria: Invitae Variant Classification Sherloc (09022015). Collection method: clinical testing. Allele origin: germline.
Comment: This sequence change creates a premature translational stop signal (p.Gly237Valfs*21) in the DMXL2 gene. It is expected to result in an absent or disrupted protein product. Loss-of-function variants in DMXL2 are known to be pathogenic (PMID: 30237576, 31688942). This variant is not present in population databases (gnomAD no frequency). This variant has not been reported in the literature in individuals affected with DMXL2-related conditions. ClinVar contains an entry for this variant (Variation ID: 2029733). For these reasons, this variant has been classified as Pathogenic.

Literature cited by the submitters: PubMed 30237576; PubMed 31688942.

NM_001378457.1(DMXL2):c.710del (p.Gly237fs)

Gene: DMXL2 (Dmx like 2; minus strand). Cytogenetic location: 15q21.2.
Variant type: Deletion.
Coding change: c.710del on transcript NM_001378457.1 (MANE Select); coding-DNA position 710, one base deleted (G; older notation c.710delG).
Protein change: p.Gly237fs; shifts the reading frame from glycine 237.
Molecular consequence: frameshift variant. On other transcripts: non-coding transcript variant (2).
Genome position (GRCh38, 1-based): chr15:51,547,266, C deleted on the plus strand (G on the coding strand, the reverse complement: DMXL2 is on the minus strand); the first of 2 consecutive C bases (chr15:51,547,266-51,547,267); deleting either gives the same sequence. VCF-style (leftmost placement, unchanged base first): chr15-51547265-AC-A. GRCh37 (hg19) VCF-style: chr15-51839462-AC-A.
Other names: c.710del, p.Gly237fs (NM_001174116.3, NM_001174117.3, NM_001378458.1 and 7 more transcripts); short protein forms G237fs.
Identifiers: ClinVar variation 2029733 (VCV002029733.4), dbSNP rs2548642688, ClinGen allele CA2580089786.